The following is an entry in ClinVar:

ClinVar aggregate classification (germline): Uncertain significance (1 of 4 stars; one submission).

Allele frequency attached by ClinVar (database versions not stated): gnomAD exomes below 0.00001.
gnomAD v4.1: 3 of 1,551,560 alleles (0.00019%); highest among the groups gnomAD compares: Non-Finnish European, 0.00017%; no homozygotes.

Submission:

Labcorp Genetics (formerly Invitae), Labcorp
Classification: Uncertain significance. Last evaluated: 2023-11-19. Review status: criteria provided, single submitter. Criteria: Invitae Variant Classification Sherloc (09022015). Collection method: clinical testing. Allele origin: germline.
Comment: This sequence change creates a premature translational stop signal (p.Gln1664*) in the TET2 gene. While this is not anticipated to result in nonsense mediated decay, it is expected to disrupt the last 339 amino acid(s) of the TET2 protein. This variant is not present in population databases (gnomAD no frequency). This variant has not been reported in the literature in individuals affected with TET2-related conditions. In summary, the available evidence is currently insufficient to determine the role of this variant in disease. Therefore, it has been classified as a Variant of Uncertain Significance.

NM_001127208.3(TET2):c.4990C>T (p.Gln1664Ter)

Genes: TET2 (tet methylcytosine dioxygenase 2; plus strand), TET2-AS1 (TET2 antisense RNA 1; minus strand). Cytogenetic location: 4q24.
Variant type: single nucleotide variant.
Coding change: c.4990C>T on transcript NM_001127208.3 (MANE Select); coding-DNA position 4990, C replaced by T.
Protein change: p.Gln1664Ter; replaces glutamine 1664 with a stop codon.
Molecular consequence: nonsense.
Genome position (GRCh38, 1-based): chr4:105,275,500, C>T. VCF-style: chr4-105275500-C-T. GRCh37 (hg19) VCF-style: chr4-106196657-C-T.
Other names: short protein forms Q1664*.
Identifiers: ClinVar variation 2697460 (VCV002697460.3), dbSNP rs1731166887, ClinGen allele CA357814031.